The following is an entry in ClinVar:

NM_000059.4(BRCA2):c.4463A>G (p.His1488Arg)

Gene: BRCA2 (BRCA2 DNA repair associated; plus strand). Cytogenetic location: 13q13.1.
Variant type: single nucleotide variant.
Coding change: c.4463A>G on transcript NM_000059.4 (MANE Select); coding-DNA position 4463, A replaced by G.
Protein change: p.His1488Arg; replaces histidine 1488 with arginine.
Molecular consequence: missense variant.
Genome position (GRCh38, 1-based): chr13:32,338,818, A>G. VCF-style: chr13-32338818-A-G. GRCh37 (hg19) VCF-style: chr13-32912955-A-G.
Other names: short protein forms H1488R.
Identifiers: ClinVar variation 861489 (VCV000861489.14), dbSNP rs1335405008, ClinGen allele CA387781424.
Genomic context (GRCh38, chr13:32,338,818, plus strand): 5'-CTGACATAAGAAAGAACAAAATGGACATTCTAAGTTATGAGGAAACAGACATAGTTAAAC[A>G]CAAAATACTGAAAGAAAGTGTCCCAGTTGGTACTGGAAATCAACTAGTGACCTTCCAGGG-3'
Protein context (NP_000050.3, residues 1478-1498): LSYEETDIVK[His1488Arg]KILKESVPVG

ClinVar aggregate classification (germline): Conflicting classifications of pathogenicity. Review status: criteria provided, conflicting classifications (1 of 4 stars). 3 submissions from 3 submitters: Uncertain significance (2); Likely benign (1). Last evaluated 2025-10-02.

Conditions:
Hereditary cancer-predisposing syndrome. Also called: Tumor predisposition; Hereditary neoplastic syndrome; Neoplastic Syndromes, Hereditary; Hereditary Cancer Syndrome. Identifiers: Orphanet 140162, MedGen C0027672, MeSH D009386, MONDO:0015356.
Hereditary breast ovarian cancer syndrome. Also called: Hereditary breast and ovarian cancer; Breast and ovarian cancer; Hereditary breast and/or ovarian cancer syndrome; Hereditary breast and ovarian cancer syndrome; Hereditary breast and ovarian cancer syndrome (HBOC); BRCA1- and BRCA2-Associated Hereditary Breast and Ovarian Cancer. Identifiers: Orphanet 145, MedGen C0677776, MeSH D061325, MONDO:0003582. Disease mechanism: loss of function.

Allele frequency attached by ClinVar (database versions not stated): gnomAD exomes below 0.00001.
gnomAD v4.1: 8 of 1,613,876 alleles (0.0005%); highest among the groups gnomAD compares: Non-Finnish European, 0.00068%; no homozygotes.

Submissions (3):

Ambry Genetics
Classification: Uncertain significance for Hereditary cancer-predisposing syndrome. Last evaluated: 2025-10-02. Review status: criteria provided, single submitter. Criteria: Ambry Variant Classification Scheme 2023. Collection method: clinical testing. Allele origin: germline.
Comment: The p.H1488R variant (also known as c.4463A>G), located in coding exon 10 of the BRCA2 gene, results from an A to G substitution at nucleotide position 4463. The histidine at codon 1488 is replaced by arginine, an amino acid with highly similar properties. This amino acid position is poorly conserved in available vertebrate species. In addition, this alteration is predicted to be tolerated by in silico analysis. Since supporting evidence is limited at this time, the clinical significance of this alteration remains unclear.

Labcorp Genetics (formerly Invitae), Labcorp
Classification: Uncertain significance for Hereditary breast ovarian cancer syndrome. Last evaluated: 2025-04-24. Review status: criteria provided, single submitter. Criteria: Invitae Variant Classification Sherloc (09022015). Collection method: clinical testing. Allele origin: germline.
Comment: This sequence change replaces histidine, which is basic and polar, with arginine, which is basic and polar, at codon 1488 of the BRCA2 protein (p.His1488Arg). This variant is present in population databases (no rsID available, gnomAD 0.0009%). This variant has not been reported in the literature in individuals affected with BRCA2-related conditions. ClinVar contains an entry for this variant (Variation ID: 861489). Invitae Evidence Modeling of protein sequence and biophysical properties (such as structural, functional, and spatial information, amino acid conservation, physicochemical variation, residue mobility, and thermodynamic stability) indicates that this missense variant is not expected to disrupt BRCA2 protein function with a negative predictive value of 95%. In summary, the available evidence is currently insufficient to determine the role of this variant in disease. Therefore, it has been classified as a Variant of Uncertain Significance.

University of Washington Department of Laboratory Medicine, University of Washington
Classification: Likely benign for Hereditary cancer-predisposing syndrome. Last evaluated: 2023-03-23. Review status: criteria provided, single submitter. Criteria: Dines et al. (Genet Med. 2020). Collection method: curation. Allele origin: germline.
Comment: Missense variant in a coldspot region where missense variants are very unlikely to be pathogenic (PMID:31911673).

BRCA2 exon 11 coldspot. Reclassification based on statistical prior probability.